The following is an entry in ClinVar:

NM_057176.3(BSND):c.842C>T (p.Ser281Leu)

Gene: BSND (barttin CLCNK type accessory subunit beta; plus strand). Cytogenetic location: 1p32.3.
Variant type: single nucleotide variant.
Coding change: c.842C>T on transcript NM_057176.3 (MANE Select); coding-DNA position 842, C replaced by T.
Protein change: p.Ser281Leu; replaces serine 281 with leucine.
Molecular consequence: missense variant.
Genome position (GRCh38, 1-based): chr1:55,008,507, C>T. VCF-style: chr1-55008507-C-T. GRCh37 (hg19) VCF-style: chr1-55474180-C-T.
Other names: short protein forms S281L.
Identifiers: ClinVar variation 666658 (VCV000666658.8), dbSNP rs781101708, ClinGen allele CA871431.

ClinVar aggregate classification (germline): Conflicting classifications of pathogenicity. Review status: criteria provided, conflicting classifications (1 of 4 stars). 4 submissions from 4 submitters: Uncertain significance (2); Likely benign (1). 1 of the submissions does not count toward it. Last evaluated 2025-05-21.

Conditions:
Inborn genetic diseases. Identifiers: MedGen C0950123, MeSH D030342.
Bartter syndrome. Identifiers: Orphanet 112, MedGen C0004775, MONDO:0015231.

Allele frequency attached by ClinVar (database versions not stated): ExAC 0.00015; gnomAD exomes 0.00008 and 0.00011; TOPMed 0.00009; gnomAD 0.00006.
gnomAD v4.1: 124 of 1,614,060 alleles (0.0077%); highest among the groups gnomAD compares: East Asian, 0.04%; no homozygotes.

Submissions (4):

GeneDx
Classification: Uncertain significance. Last evaluated: 2025-05-21. Review status: criteria provided, single submitter. Criteria: GeneDx Variant Classification Process June 2021. Collection method: clinical testing. Allele origin: germline. Affected: yes.
Comment: In silico analysis suggests that this missense variant does not alter protein structure/function; Has not been previously published as pathogenic or benign to our knowledge

Ambry Genetics
Classification: Uncertain significance for Inborn genetic diseases. Last evaluated: 2021-06-11. Review status: criteria provided, single submitter. Criteria: Ambry Variant Classification Scheme 2023. Collection method: clinical testing. Allele origin: germline.

Laboratory for Molecular Medicine, Mass General Brigham Personalized Medicine
Classification: Likely benign. Last evaluated: 2018-08-16. Review status: criteria provided, single submitter. Criteria: LMM Criteria. Collection method: clinical testing. Allele origin: germline. Observed: 1 variant allele.
Comment: The p.Ser281Leu variant in BSND is classified as likely benign due to a lack of conservation across species. Several species including mammals have Leucine (Leu ) at this position. It has been identified in 11/18868 East Asian chromosomes by the Genome Aggregation Database (gnomAD). ACM G/AMP Criteria applied: BP4_Strong, PM2_Supporting.

Natera, Inc.
Classification: Uncertain significance for Bartter syndrome. Last evaluated: 2020-01-17. Review status: no assertion criteria provided. Collection method: clinical testing. Allele origin: germline. Not counted in ClinVar's aggregate classification.